The following is an entry in ClinVar:

NM_032656.4(DHX37):c.488A>G (p.Glu163Gly)

Gene: DHX37 (DEAH-box helicase 37; minus strand). Cytogenetic location: 12q24.31.
Variant type: single nucleotide variant.
Coding change: c.488A>G on transcript NM_032656.4 (MANE Select); coding-DNA position 488, A replaced by G.
Protein change: p.Glu163Gly; replaces glutamic acid 163 with glycine.
Molecular consequence: missense variant.
Genome position (GRCh38, 1-based): chr12:124,980,740, T>C on the plus strand (A>G on the coding strand, the complement: DHX37 is on the minus strand). VCF-style: chr12-124980740-T-C. GRCh37 (hg19) VCF-style: chr12-125465286-T-C.
Other names: short protein forms E163G.
Identifiers: ClinVar variation 2888010 (VCV002888010.1), dbSNP rs2547139785, ClinGen allele CA387227870.

ClinVar aggregate classification (germline): Uncertain significance (1 of 4 stars; one submission).

Allele frequency attached by ClinVar (database versions not stated): gnomAD exomes below 0.00001.

Submission:

Labcorp Genetics (formerly Invitae), Labcorp
Classification: Uncertain significance. Last evaluated: 2023-08-19. Review status: criteria provided, single submitter. Criteria: Invitae Variant Classification Sherloc (09022015). Collection method: clinical testing. Allele origin: germline.
Comment: This variant has not been reported in the literature in individuals affected with DHX37-related conditions. An algorithm developed to predict the effect of missense changes on protein structure and function (PolyPhen-2) suggests that this variant¬†is likely to be tolerated. In summary, the available evidence is currently insufficient to determine the role of this variant in disease. Therefore, it has been classified as a Variant of Uncertain Significance. This variant is not present in population databases (gnomAD no frequency). This sequence change replaces glutamic acid, which is acidic and polar, with glycine, which is neutral and non-polar, at codon 163 of the DHX37 protein (p.Glu163Gly).